The following is an entry in ClinVar:

ClinVar aggregate classification (germline): Benign. Review status: reviewed by expert panel (3 of 4 stars). 6 submissions from 6 submitters: Benign (1). 5 of the submissions do not count toward it. Last evaluated 2026-08-18.

Conditions:
Alexander disease (ALXDRD). Also called: Alexander's disease. Identifiers: Orphanet 58, MedGen C0270726, MONDO:0008752, OMIM 203450.

Allele frequency attached by ClinVar (database versions not stated): TOPMed 0.00097; gnomAD exomes 0.00047 and 0.00051; gnomAD 0.00065 and 0.00056; ESP Exome Variant Server 0.00031; ExAC 0.00044; 1000 Genomes Project 0.00100; 1000 Genomes Project 30x 0.00141.
gnomAD v4.1: 798 of 1,612,560 alleles (0.049%); highest among the groups gnomAD compares: Admixed American, 0.22%; no homozygotes.

Submissions (6):

ClinGen Leukodystrophy and Leukoencephalopathy Variant Curation Expert Panel, ClinGen
Classification: Benign for Alexander disease. Last evaluated: 2026-08-18. Review status: reviewed by expert panel. Criteria: ClinGen Leuko ACMG Specifications GFAP V1.0. Collection method: curation. Allele origin: germline. Inheritance: Autosomal dominant inheritance.
Comment: The NM_002055.5(GFAP):c.433G>A, variant in GFAP is a missense variant predicited to cause a substitution of alanine by threonine at amino acid 145 (p.Ala145Thr). The GrpMax filtering allele frequency in gnomAD v4.1.1 is 0.001893 from the Admixed American genetic ancestry group (the lower threshold of the 95% CI of 132/60024 alleles), which is higher than the ClinGen Leukodystrophy and Leukoencephalopathy Expert Panel Specifications to the ACMG/AMP Variant Interpretation Guidelines for GFAP Version 1.0.0 threshold ≥ 0.01% for BA1, and therefore meets this criterion (BA1). In summary, this variant meets the criteria to be classified as benign based on the ACMG/AMP criteria applied, as specified by the ClinGen Leukodystrophy and Leukoencephalopathy VCEP: BA1 (ClinGen Leukodystrophy and Leukoencephalopathy VCEP Specifications Version 1.0.0).

Labcorp Genetics (formerly Invitae), Labcorp
Classification: Likely benign. Last evaluated: 2025-09-14. Review status: criteria provided, single submitter. Criteria: Invitae Variant Classification Sherloc (09022015). Collection method: clinical testing. Allele origin: germline. Not counted in ClinVar's aggregate classification.

Blueprint Genetics
Classification: Likely benign. Last evaluated: 2024-09-10. Review status: criteria provided, single submitter. Criteria: ACMG Guidelines, 2015. Collection method: clinical testing. Allele origin: germline. Not counted in ClinVar's aggregate classification.

CeGaT Center for Human Genetics Tuebingen
Classification: Likely benign. Last evaluated: 2023-04-01. Review status: criteria provided, single submitter. Criteria: CeGaT Center For Human Genetics Tuebingen Variant Classification Criteria Version 2. Collection method: clinical testing. Allele origin: germline. Affected: yes. Observed: 1 variant allele. Not counted in ClinVar's aggregate classification.
Comment: GFAP: BS1

Athena Diagnostics
Classification: Likely benign. Last evaluated: 2018-01-30. Review status: criteria provided, single submitter. Criteria: Athena Diagnostics Criteria. Collection method: clinical testing. Allele origin: germline. Not counted in ClinVar's aggregate classification.

Center for Pediatric Genomic Medicine, Children's Mercy Hospital and Clinics
Classification: Likely benign. Last evaluated: 2017-03-08. Review status: criteria provided, single submitter. Criteria: ACMG Guidelines, 2015. Collection method: clinical testing. Allele origin: germline. Not counted in ClinVar's aggregate classification.

NM_002055.5(GFAP):c.433G>A (p.Ala145Thr)

Gene: GFAP (glial fibrillary acidic protein; minus strand). Cytogenetic location: 17q21.31.
Variant type: single nucleotide variant.
Coding change: c.433G>A on transcript NM_002055.5 (MANE Select); coding-DNA position 433, G replaced by A.
Protein change: p.Ala145Thr; replaces alanine 145 with threonine.
Molecular consequence: missense variant.
Genome position (GRCh38, 1-based): chr17:44,915,054, C>T on the plus strand (G>A on the coding strand, the complement: GFAP is on the minus strand). VCF-style: chr17-44915054-C-T. GRCh37 (hg19) VCF-style: chr17-42992422-C-T.
Other names: NM_002055.5(GFAP):c.433G>A; p.Ala145Thr; c.433G>A, p.Ala145Thr (NM_001131019.3, NM_001242376.3, NM_001363846.2); short protein forms A145T.
Identifiers: ClinVar variation 445586 (VCV000445586.40), dbSNP rs141400812, ClinGen allele CA8609030.